The following is an entry in ClinVar:

ClinVar aggregate classification (germline): Benign (1 of 4 stars; one submission).

Allele frequency attached by ClinVar (database versions not stated): gnomAD exomes 0.95284; gnomAD 0.95964 and 0.96029; TOPMed 0.96499; 1000 Genomes Project 0.98043; 1000 Genomes Project 30x 0.98095.
gnomAD v4.1: 1,336,944 of 1,401,936 alleles (95%); highest among the groups gnomAD compares: East Asian, 100%; 637,633 homozygotes.

Submission:

GeneDx
Classification: Benign. Last evaluated: 2018-06-19. Review status: criteria provided, single submitter. Criteria: GeneDx Variant Classification (06012015). Collection method: clinical testing. Allele origin: germline. Affected: yes.
Comment: This variant is considered likely benign or benign based on one or more of the following criteria: it is a conservative change, it occurs at a poorly conserved position in the protein, it is predicted to be benign by multiple in silico algorithms, and/or has population frequency not consistent with disease.

NM_000263.4(NAGLU):c.1021+120C>T

Gene: NAGLU (N-acetyl-alpha-glucosaminidase; plus strand). Cytogenetic location: 17q21.2.
Variant type: single nucleotide variant.
Coding change: c.1021+120C>T on transcript NM_000263.4 (MANE Select); 120 bases into the intron after coding-DNA position 1021, C replaced by T.
Molecular consequence: intron variant.
Genome position (GRCh38, 1-based): chr17:42,541,326, C>T. VCF-style: chr17-42541326-C-T. GRCh37 (hg19) VCF-style: chr17-40693344-C-T.
Identifiers: ClinVar variation 682648 (VCV000682648.1), dbSNP rs630539, ClinGen allele CA14421194.